The following is an entry in ClinVar:

NM_015001.3(SPEN):c.351T>C (p.Gly117=)

Gene: SPEN (spen family transcriptional repressor; plus strand). Cytogenetic location: 1p36.21.
Variant type: single nucleotide variant.
Coding change: c.351T>C on transcript NM_015001.3 (MANE Select); coding-DNA position 351, T replaced by C.
Protein change: p.Gly117=; no amino-acid change (glycine 117 retained).
Molecular consequence: synonymous variant.
Genome position (GRCh38, 1-based): chr1:15,873,083, T>C. VCF-style: chr1-15873083-T-C. GRCh37 (hg19) VCF-style: chr1-16199578-T-C.
Identifiers: ClinVar variation 2638298 (VCV002638298.24), dbSNP rs201724026, ClinGen allele CA618788.

ClinVar aggregate classification (germline): Likely benign (1 of 4 stars; one submission).

Allele frequency attached by ClinVar (database versions not stated): TOPMed below 0.00001; ExAC 0.00001; gnomAD 0.00001; gnomAD exomes 0.00002; 1000 Genomes Project 30x 0.00016; 1000 Genomes Project 0.00020.
gnomAD v4.1: 36 of 1,613,914 alleles (0.0022%); highest among the groups gnomAD compares: East Asian, 0.078%; no homozygotes.

Submission:

CeGaT Center for Human Genetics Tuebingen
Classification: Likely benign. Last evaluated: 2022-10-01. Review status: criteria provided, single submitter. Criteria: CeGaT Center For Human Genetics Tuebingen Variant Classification Criteria Version 2. Collection method: clinical testing. Allele origin: germline. Affected: yes. Observed: 1 variant allele.
Comment: SPEN: BP4, BP7